The following is an entry in ClinVar:

ClinVar aggregate classification (germline): Uncertain significance. Review status: criteria provided, multiple submitters, no conflicts (2 of 4 stars). 3 submissions from 3 submitters: Uncertain significance (2). 1 of the submissions does not count toward it. Last evaluated 2024-02-05.

Conditions:
Inherited obesity. Also called: Monogenic Obesity. Identifiers: Orphanet 77828, MedGen C4054476, MONDO:0019182, OMIM 601665.
NR0B2-related disorder. Also called: NR0B2-related condition.

Allele frequency attached by ClinVar (database versions not stated): gnomAD exomes 0.00001; ExAC 0.00004; gnomAD 0.00006; TOPMed 0.00008.
gnomAD v4.1: 47 of 1,605,604 alleles (0.0029%); highest among the groups gnomAD compares: Middle Eastern, 0.05%; 1 homozygote.

Submissions (3):

Ambry Genetics
Classification: Uncertain significance. Last evaluated: 2024-02-05. Review status: criteria provided, single submitter. Criteria: Ambry Variant Classification Scheme 2023. Collection method: clinical testing. Allele origin: germline.

New York Genome Center
Classification: Uncertain significance for Inherited obesity. Last evaluated: 2022-10-26. Review status: criteria provided, single submitter. Criteria: NYGC Assertion Criteria 2020. Collection method: clinical testing. Allele origin: germline. Observed: 1 heterozygote.
Comment: The c.211A>G, p.(Arg71Gly) variant identified in the NR0B2 gene substitutes a moderately conserved Arginine for Glycine at amino acid 71/258 (exon 1/2). This variant is found with low frequency in population databases (gnomAD, BRAVO-TOPMed, All of Us) with highest allele frequency of 9.1e-6 (All ofUs) suggesting it is not a common benign variant in the populations represented in those databases. In silico algorithms predict this variant to be Pathogenic (REVEL=0.719) to the function of the canonical transcript. This variant is absent from ClinVar and to our current knowledge has not been reported in affected individuals in the literature. Given the lack of compelling evidence for its pathogenicity, the c.211A>G, p.(Arg71Gly) variant identified in the NR0B2 gene is reported as a Variant of Uncertain Significance.

PreventionGenetics, part of Exact Sciences
Classification: Uncertain significance for NR0B2-related condition. Last evaluated: 2024-02-15. Review status: no assertion criteria provided. Collection method: clinical testing. Allele origin: germline. Not counted in ClinVar's aggregate classification.
Comment: The NR0B2 c.211A>G variant is predicted to result in the amino acid substitution p.Arg71Gly. To our knowledge, this variant has not been reported in the literature. This variant is reported in 0.025% of alleles in individuals of African descent in gnomAD. At this time, the clinical significance of this variant is uncertain due to the absence of conclusive functional and genetic evidence.

NM_021969.3(NR0B2):c.211A>G (p.Arg71Gly)

Genes: NR0B2 (nuclear receptor subfamily 0 group B member 2; minus strand), NUDC (nuclear distribution C, dynein complex regulator; plus strand). Cytogenetic location: 1p36.11.
Variant type: single nucleotide variant.
Coding change: c.211A>G on transcript NM_021969.3 (MANE Select); coding-DNA position 211, A replaced by G.
Protein change: p.Arg71Gly; replaces arginine 71 with glycine.
Molecular consequence: missense variant.
Genome position (GRCh38, 1-based): chr1:26,913,730, T>C on the plus strand (A>G on the coding strand, the complement: NR0B2 is on the minus strand). VCF-style: chr1-26913730-T-C. GRCh37 (hg19) VCF-style: chr1-27240221-T-C.
Other names: c.211A>G (NM_021969.2); short protein forms R71G.
Identifiers: ClinVar variation 2584606 (VCV002584606.4), dbSNP rs375223621, ClinGen allele CA709699.
Genomic context (GRCh38, chr1:26,913,730, plus strand): 5'-AACCCTGCAGCAGCCGCCGCTGGTCCTGGGGAGGCAGCTGCCAGAAGGATGGCAGGTTCC[T>C]GAGGAAGGCCACTGTCTTGGCCAGAACATCCAAGGCCTCCCGGCAGGTGCGATGAGGTGC-3'
Protein context (NP_068804.1, residues 61-81): DVLAKTVAFL[Arg71Gly]NLPSFWQLPP